The following is an entry in ClinVar:

ClinVar aggregate classification (germline): Uncertain significance. Review status: criteria provided, multiple submitters, no conflicts (2 of 4 stars). 3 submissions from 3 submitters: Uncertain significance (3). Last evaluated 2024-04-29.

Conditions:
Cardiomyopathy (CMYO). Also called: Cardiomyopathies. Identifiers: Orphanet 167848, MedGen C0878544, MONDO:0004994, HP:0001638. Inheritance: Various modes of inheritance.

Allele frequency attached by ClinVar (database versions not stated): gnomAD exomes below 0.00001.
gnomAD v4.1: 3 of 1,614,104 alleles (0.00019%); highest among the groups gnomAD compares: Non-Finnish European, 0.00025%; no homozygotes.

Submissions (3):

Color Diagnostics, LLC DBA Color Health
Classification: Uncertain significance for Cardiomyopathy. Last evaluated: 2024-04-29. Review status: criteria provided, single submitter. Criteria: ACMG Guidelines, 2015. Collection method: clinical testing. Allele origin: germline.
Comment: This missense variant replaces valine with alanine at codon 1044 of the MYH7 protein. Computational prediction tools indicate that this variant has a neutral impact on protein structure and function. To our knowledge, functional studies have not been reported for this variant. This variant has been reported in one individual affected with dilated cardiomyopathy (PMID: 21846512). This variant has not been identified in the general population by the Genome Aggregation Database (gnomAD). The available evidence is insufficient to determine the role of this variant in disease conclusively. Therefore, this variant is classified as a Variant of Uncertain Significance.

Blueprint Genetics
Classification: Uncertain significance. Last evaluated: 2023-10-24. Review status: criteria provided, single submitter. Criteria: ACMG Guidelines, 2015. Collection method: clinical testing. Allele origin: germline.

CeGaT Center for Human Genetics Tuebingen
Classification: Uncertain significance. Last evaluated: 2023-07-01. Review status: criteria provided, single submitter. Criteria: CeGaT Center For Human Genetics Tuebingen Variant Classification Criteria Version 2. Collection method: clinical testing. Allele origin: germline. Affected: yes. Observed: 1 variant allele.
Comment: MYH7: PM2, PP2

Literature cited by the submitters: PubMed 21846512 (cited by Color Diagnostics, LLC DBA Color Health).

NM_000257.4(MYH7):c.3131T>C (p.Val1044Ala)

Gene: MYH7 (myosin heavy chain 7; minus strand). Cytogenetic location: 14q11.2.
Variant type: single nucleotide variant.
Coding change: c.3131T>C on transcript NM_000257.4 (MANE Select); coding-DNA position 3131, T replaced by C.
Protein change: p.Val1044Ala; replaces valine 1044 with alanine.
Molecular consequence: missense variant.
Genome position (GRCh38, 1-based): chr14:23,422,294, A>G on the plus strand (T>C on the coding strand, the complement: MYH7 is on the minus strand). VCF-style: chr14-23422294-A-G. GRCh37 (hg19) VCF-style: chr14-23891503-A-G.
Other names: c.3131T>C, p.Val1044Ala (NM_001407004.1); short protein forms V1044A.
Identifiers: ClinVar variation 2578711 (VCV002578711.27), dbSNP rs2502272859, ClinGen allele CA389045432.